The following is an entry in ClinVar:

ClinVar aggregate classification (germline): Uncertain significance (1 of 4 stars; one submission).

Conditions:
Cardiovascular phenotype. Identifiers: MedGen CN230736.

Submission:

Ambry Genetics
Classification: Uncertain significance for Cardiovascular phenotype. Last evaluated: 2025-02-13. Review status: criteria provided, single submitter. Criteria: Ambry Variant Classification Scheme 2023. Collection method: clinical testing. Allele origin: germline.
Comment: The p.E1831G variant (also known as c.5492A>G), located in coding exon 34 of the MYH6 gene, results from an A to G substitution at nucleotide position 5492. The glutamic acid at codon 1831 is replaced by glycine, an amino acid with similar properties. This amino acid position is conserved. In addition, this alteration is predicted to be deleterious by in silico analysis. Based on the available evidence, the clinical significance of this variant remains unclear.

NM_002471.4(MYH6):c.5492A>G (p.Glu1831Gly)

Gene: MYH6 (myosin heavy chain 6; minus strand). Cytogenetic location: 14q11.2.
Variant type: single nucleotide variant.
Coding change: c.5492A>G on transcript NM_002471.4 (MANE Select); coding-DNA position 5492, A replaced by G.
Protein change: p.Glu1831Gly; replaces glutamic acid 1831 with glycine.
Molecular consequence: missense variant.
Genome position (GRCh38, 1-based): chr14:23,384,515, T>C on the plus strand (A>G on the coding strand, the complement: MYH6 is on the minus strand). VCF-style: chr14-23384515-T-C. GRCh37 (hg19) VCF-style: chr14-23853724-T-C.
Other names: short protein forms E1831G.
Identifiers: ClinVar variation 3876456 (VCV003876456.1).